The following is an entry in ClinVar:

NM_018136.5(ASPM):c.2679G>T (p.Leu893Phe)

Gene: ASPM (assembly factor for spindle microtubules; minus strand). Cytogenetic location: 1q31.3.
Variant type: single nucleotide variant.
Coding change: c.2679G>T on transcript NM_018136.5 (MANE Select); coding-DNA position 2679, G replaced by T.
Protein change: p.Leu893Phe; replaces leucine 893 with phenylalanine.
Molecular consequence: missense variant.
Genome position (GRCh38, 1-based): chr1:197,129,268, C>A on the plus strand (G>T on the coding strand, the complement: ASPM is on the minus strand). VCF-style: chr1-197129268-C-A. GRCh37 (hg19) VCF-style: chr1-197098398-C-A.
Other names: c.2679G>T (NM_018136.4); c.2679G>T, p.Leu893Phe (NM_001206846.2); short protein forms L893F.
Identifiers: ClinVar variation 199145 (VCV000199145.9), dbSNP rs755211990, ClinGen allele CA248189.

ClinVar aggregate classification (germline): Uncertain significance. Review status: criteria provided, multiple submitters, no conflicts (2 of 4 stars). 4 submissions from 4 submitters: Uncertain significance (4). Last evaluated 2024-11-12.

Conditions:
Inborn genetic diseases. Identifiers: MedGen C0950123, MeSH D030342.
Microcephaly 5, primary, autosomal recessive (MCPH5). Also called: ASPM Primary Microcephaly. Identifiers: Orphanet 2512, MedGen C1837501, MONDO:0012106, OMIM 608716.

Allele frequency attached by ClinVar (database versions not stated): TOPMed 0.00002.
gnomAD v4.1: 10 of 1,612,488 alleles (0.00062%); highest among the groups gnomAD compares: Admixed American, 0.017%; no homozygotes.

Submissions (4):

Ambry Genetics
Classification: Uncertain significance for Inborn genetic diseases. Last evaluated: 2024-11-12. Review status: criteria provided, single submitter. Criteria: Ambry Variant Classification Scheme 2023. Collection method: clinical testing. Allele origin: germline.

Labcorp Genetics (formerly Invitae), Labcorp
Classification: Uncertain significance. Last evaluated: 2023-08-17. Review status: criteria provided, single submitter. Criteria: Invitae Variant Classification Sherloc (09022015). Collection method: clinical testing. Allele origin: germline.
Comment: This sequence change replaces leucine, which is neutral and non-polar, with phenylalanine, which is neutral and non-polar, at codon 893 of the ASPM protein (p.Leu893Phe). This variant is present in population databases (rs755211990, gnomAD 0.02%). This variant has not been reported in the literature in individuals affected with ASPM-related conditions. ClinVar contains an entry for this variant (Variation ID: 199145). Advanced modeling of protein sequence and biophysical properties (such as structural, functional, and spatial information, amino acid conservation, physicochemical variation, residue mobility, and thermodynamic stability) performed at Invitae indicates that this missense variant is not expected to disrupt ASPM protein function. Algorithms developed to predict the effect of sequence changes on RNA splicing suggest that this variant may create or strengthen a splice site. In summary, the available evidence is currently insufficient to determine the role of this variant in disease. Therefore, it has been classified as a Variant of Uncertain Significance.

Genome-Nilou Lab
Classification: Uncertain significance for Microcephaly 5, primary, autosomal recessive. Last evaluated: 2023-04-11. Review status: criteria provided, single submitter. Criteria: ACMG Guidelines, 2015. Collection method: clinical testing. Allele origin: germline. Affected: no.

Eurofins Ntd Llc (ga)
Classification: Uncertain significance. Last evaluated: 2015-03-31. Review status: criteria provided, single submitter. Criteria: EGL Classification Definitions 2015. Collection method: clinical testing. Allele origin: germline. Observed: 1 variant allele, 1 heterozygote.